The following is an entry in ClinVar:

ClinVar aggregate classification (germline): Benign (0 of 4 stars; one submission).

Conditions:
IL7-related disorder. Also called: IL7-related condition.

Allele frequency attached by ClinVar (database versions not stated): TOPMed 0.00029; gnomAD 0.00127; gnomAD exomes 0.00212; ExAC 0.00536; 1000 Genomes Project 30x 0.01171; 1000 Genomes Project 0.01178.
gnomAD v4.1: 3,353 of 1,611,652 alleles (0.21%); highest among the groups gnomAD compares: South Asian, 3.3%; 97 homozygotes.

Submission:

PreventionGenetics, part of Exact Sciences
Classification: Benign for IL7-related condition. Last evaluated: 2019-06-27. Review status: no assertion criteria provided. Collection method: clinical testing. Allele origin: germline.
Comment: This variant is classified as benign based on ACMG/AMP sequence variant interpretation guidelines (Richards et al. 2015 PMID: 25741868, with internal and published modifications).

NM_000880.4(IL7):c.52G>A (p.Val18Ile)

Gene: IL7 (interleukin 7; minus strand). Cytogenetic location: 8q21.13.
Variant type: single nucleotide variant.
Coding change: c.52G>A on transcript NM_000880.4 (MANE Select); coding-DNA position 52, G replaced by A.
Protein change: p.Val18Ile; replaces valine 18 with isoleucine.
Molecular consequence: missense variant.
Genome position (GRCh38, 1-based): chr8:78,798,167, C>T on the plus strand (G>A on the coding strand, the complement: IL7 is on the minus strand). VCF-style: chr8-78798167-C-T. GRCh37 (hg19) VCF-style: chr8-79710402-C-T.
Other names: c.52G>A, p.Val18Ile (NM_001199886.2, NM_001199887.2, NM_001199888.2); short protein forms V18I.
Identifiers: ClinVar variation 3043304 (VCV003043304.2), dbSNP rs201412253, ClinGen allele CA4789389.
Genomic context (GRCh38, chr8:78,798,167, plus strand): 5'-CATATTGTTTGCCATCTTTACCTTCAATATCACAATCAGATGATGCTACTGGCAACAGAA[C>T]AAGGATCAGGGGAGGAAGTCCAAAGATATACCTAAAAGAAACTAAATTTGACAGTAAATA-3'
Protein context (NP_000871.1, residues 8-28): YIFGLPPLIL[Val18Ile]LLPVASSDCD